The following is an entry in ClinVar:

ClinVar aggregate classification (germline): Likely benign. Review status: criteria provided, single submitter (1 of 4 stars). 2 submissions from 2 submitters: Likely benign (1). 1 of the submissions does not count toward it. Last evaluated 2024-09-17.

Conditions:
CASP10-related disorder. Also called: CASP10-related condition.

Allele frequency attached by ClinVar (database versions not stated): gnomAD exomes below 0.00001; ExAC 0.00001.
gnomAD v4.1: 2 of 1,612,862 alleles (0.00012%); highest among the groups gnomAD compares: East Asian, 0.0045%; no homozygotes.

Submissions (2):

Blueprint Genetics
Classification: Likely benign. Last evaluated: 2024-09-17. Review status: criteria provided, single submitter. Criteria: ACMG Guidelines, 2015. Collection method: clinical testing. Allele origin: germline.

PreventionGenetics, part of Exact Sciences
Classification: Likely benign for CASP10-related condition. Last evaluated: 2021-08-13. Review status: no assertion criteria provided. Collection method: clinical testing. Allele origin: germline. Not counted in ClinVar's aggregate classification.
Comment: This variant is classified as likely benign based on ACMG/AMP sequence variant interpretation guidelines (Richards et al. 2015 PMID: 25741868, with internal and published modifications).

NM_032977.4(CASP10):c.1044G>A (p.Gly348=)

Gene: CASP10 (caspase 10; plus strand). Cytogenetic location: 2q33.1.
Variant type: single nucleotide variant.
Coding change: c.1044G>A on transcript NM_032977.4 (MANE Select); coding-DNA position 1044, G replaced by A.
Protein change: p.Gly348=; no amino-acid change (glycine 348 retained).
Molecular consequence: synonymous variant. On other transcripts: 3 prime UTR variant (1).
Genome position (GRCh38, 1-based): chr2:201,209,191, G>A. VCF-style: chr2-201209191-G-A. GRCh37 (hg19) VCF-style: chr2-202073914-G-A.
Other names: c.843G>A, p.Gly281= (NM_001206524.2); c.915G>A, p.Gly305= (NM_001206542.2, NM_001230.5); c.1044G>A, p.Gly348= (NM_032974.5); c.*130G>A (NM_032976.4).
Identifiers: ClinVar variation 3029247 (VCV003029247.3), dbSNP rs769976012, ClinGen allele CA2053168.